The following is an entry in ClinVar:

NM_000310.4(PPT1):c.445C>A (p.Leu149Ile)

Gene: PPT1 (palmitoyl-protein thioesterase 1; minus strand). Cytogenetic location: 1p34.2.
Variant type: single nucleotide variant.
Coding change: c.445C>A on transcript NM_000310.4 (MANE Select); coding-DNA position 445, C replaced by A.
Protein change: p.Leu149Ile; replaces leucine 149 with isoleucine.
Molecular consequence: missense variant.
Genome position (GRCh38, 1-based): chr1:40,089,501, G>T on the plus strand (C>A on the coding strand, the complement: PPT1 is on the minus strand). VCF-style: chr1-40089501-G-T. GRCh37 (hg19) VCF-style: chr1-40555173-G-T.
Other names: c.136C>A, p.Leu46Ile (NM_001142604.2); c.445C>A, p.Leu149Ile (NM_001363695.2); short protein forms L149I, L46I.
Identifiers: ClinVar variation 533948 (VCV000533948.11), dbSNP rs775899980, ClinGen allele CA789687.

ClinVar aggregate classification (germline): Uncertain significance. Review status: criteria provided, multiple submitters, no conflicts (2 of 4 stars). 4 submissions from 4 submitters: Uncertain significance (3). 1 of the submissions does not count toward it. Last evaluated 2026-04-24.

Conditions:
Neuronal ceroid lipofuscinosis 1 (CLN1). Also called: CEROID LIPOFUSCINOSIS, NEURONAL, 1, VARIABLE AGE AT ONSET; PPT1-Related Neuronal Ceroid-Lipofuscinosis. Identifiers: Orphanet 228329, MedGen C1850451, MONDO:0009744, OMIM 256730.

Allele frequency attached by ClinVar (database versions not stated): gnomAD exomes below 0.00001 and 0.00001; ExAC 0.00002; TOPMed 0.00003.

Submissions (4):

GeneDx
Classification: Uncertain significance. Last evaluated: 2026-04-24. Review status: criteria provided, single submitter. Criteria: GeneDx Variant Classification Process June 2021. Collection method: clinical testing. Allele origin: germline.
Comment: Not observed at significant frequency in large population cohorts (gnomAD); In silico analysis suggests that this missense variant does not alter protein structure/function; Has not been previously published as pathogenic or benign to our knowledge

Labcorp Genetics (formerly Invitae), Labcorp
Classification: Uncertain significance for Neuronal ceroid lipofuscinosis 1. Last evaluated: 2025-07-07. Review status: criteria provided, single submitter. Criteria: Invitae Variant Classification Sherloc (09022015). Collection method: clinical testing. Allele origin: germline.
Comment: This sequence change replaces leucine, which is neutral and non-polar, with isoleucine, which is neutral and non-polar, at codon 149 of the PPT1 protein (p.Leu149Ile). This variant is present in population databases (rs775899980, gnomAD 0.006%). This variant has not been reported in the literature in individuals affected with PPT1-related conditions. ClinVar contains an entry for this variant (Variation ID: 533948). Invitae Evidence Modeling of protein sequence and biophysical properties (such as structural, functional, and spatial information, amino acid conservation, physicochemical variation, residue mobility, and thermodynamic stability) indicates that this missense variant is not expected to disrupt PPT1 protein function with a negative predictive value of 80%. In summary, the available evidence is currently insufficient to determine the role of this variant in disease. Therefore, it has been classified as a Variant of Uncertain Significance.

ARUP Laboratories, Molecular Genetics and Genomics, ARUP Laboratories
Classification: Uncertain significance for Neuronal ceroid lipofuscinosis 1. Last evaluated: 2024-12-16. Review status: criteria provided, single submitter. Criteria: ARUP Molecular Germline Variant Investigation Process 2024. Collection method: clinical testing. Allele origin: germline.

Natera, Inc.
Classification: Uncertain significance for Neuronal ceroid lipofuscinosis 1. Last evaluated: 2020-10-28. Review status: no assertion criteria provided. Collection method: clinical testing. Allele origin: germline. Not counted in ClinVar's aggregate classification.